The following is an entry in ClinVar:

NM_002439.5(MSH3):c.1014A>C (p.Thr338=)

Genes: MSH3 (mutS homolog 3; plus strand), LOC126807437 (MED14-independent group 3 enhancer GRCh37_chr5:79968379-79969578; plus strand). Cytogenetic location: 5q14.1.
Variant type: single nucleotide variant.
Coding change: c.1014A>C on transcript NM_002439.5 (MANE Select); coding-DNA position 1014, A replaced by C.
Protein change: p.Thr338=; no amino-acid change (threonine 338 retained).
Molecular consequence: synonymous variant.
Genome position (GRCh38, 1-based): chr5:80,672,845, A>C. VCF-style: chr5-80672845-A-C. GRCh37 (hg19) VCF-style: chr5-79968664-A-C.
Other names: c.1014A>C (NM_002439.3).
Identifiers: ClinVar variation 762468 (VCV000762468.11), dbSNP rs1580552338, ClinGen allele CA445159020.

ClinVar aggregate classification (germline): Conflicting classifications of pathogenicity. Review status: criteria provided, conflicting classifications (1 of 4 stars). 3 submissions from 3 submitters: Uncertain significance (1); Likely benign (2). Last evaluated 2025-02-10.

Conditions:
Hereditary cancer-predisposing syndrome. Also called: Tumor predisposition; Neoplastic Syndromes, Hereditary; Hereditary Cancer Syndrome; Hereditary neoplastic syndrome. Identifiers: Orphanet 140162, MedGen C0027672, MeSH D009386, MONDO:0015356.

gnomAD v4.1: 1 of 1,609,964 alleles (0.000062%); highest among the groups gnomAD compares: Admixed American, 0.0017%; no homozygotes.

Submissions (3):

Ambry Genetics
Classification: Uncertain significance for Hereditary cancer-predisposing syndrome. Last evaluated: 2025-02-10. Review status: criteria provided, single submitter. Criteria: Ambry Variant Classification Scheme 2023. Collection method: clinical testing. Allele origin: germline.
Comment: The c.1014A>C variant (also known as p.T338T), located in coding exon 6 of the MSH3 gene, results from an A to C substitution at nucleotide position 1014. This nucleotide substitution does not change the at codon 338. This nucleotide position is not well conserved in available vertebrate species. In silico splice site analysis for this alteration is inconclusive. Based on the available evidence, the clinical significance of this variant remains unclear.

Labcorp Genetics (formerly Invitae), Labcorp
Classification: Likely benign. Last evaluated: 2022-04-25. Review status: criteria provided, single submitter. Criteria: Invitae Variant Classification Sherloc (09022015). Collection method: clinical testing. Allele origin: germline.

Quest Diagnostics Nichols Institute San Juan Capistrano
Classification: Likely benign. Last evaluated: 2021-07-02. Review status: criteria provided, single submitter. Criteria: Quest Diagnostics criteria. Collection method: clinical testing. Allele origin: unknown.